The following is an entry in ClinVar:

ClinVar aggregate classification (germline): Conflicting classifications of pathogenicity. Review status: criteria provided, conflicting classifications (1 of 4 stars). 2 submissions from 2 submitters: Uncertain significance (1); Likely benign (1). Last evaluated 2026-01-11.

Conditions:
Xeroderma pigmentosum, group E (XPE). Also called: DDB2-Related Xeroderma Pigmentosum; Xeroderma pigmentosum, complementation group E; XERODERMA PIGMENTOSUM V; XP, GROUP E; Xeroderma pigmentosum, complementation group E, DDB-negative form; Xeroderma pigmentosum, group E, DDB-negative subtype. Identifiers: Orphanet 910, MedGen C1848411, MONDO:0010213, OMIM 278740.

Allele frequency attached by ClinVar (database versions not stated): gnomAD 0.00007; 1000 Genomes Project 30x 0.00016; gnomAD exomes 0.00016 and 0.00081; 1000 Genomes Project 0.00020; TOPMed 0.00029; ExAC 0.00071.
gnomAD v4.1: 240 of 1,614,072 alleles (0.015%); highest among the groups gnomAD compares: Admixed American, 0.4%; no homozygotes.

Submissions (2):

Labcorp Genetics (formerly Invitae), Labcorp
Classification: Likely benign. Last evaluated: 2026-01-11. Review status: criteria provided, single submitter. Criteria: Invitae Variant Classification Sherloc (09022015). Collection method: clinical testing. Allele origin: germline.

Baylor Genetics
Classification: Uncertain significance for Xeroderma pigmentosum, group E. Last evaluated: 2020-12-04. Review status: criteria provided, single submitter. Criteria: ACMG Guidelines, 2015. Collection method: clinical testing. Allele origin: unknown. Affected: yes. Study: CSER-TexasKidsCanSeq.
Comment: This variant was determined to be of uncertain significance according to ACMG Guidelines, 2015 [PMID:25741868].

NM_000107.3(DDB2):c.511C>G (p.Gln171Glu)

Gene: DDB2 (damage specific DNA binding protein 2; plus strand). Cytogenetic location: 11p11.2.
Variant type: single nucleotide variant.
Coding change: c.511C>G on transcript NM_000107.3 (MANE Select); coding-DNA position 511, C replaced by G.
Protein change: p.Gln171Glu; replaces glutamine 171 with glutamic acid.
Molecular consequence: missense variant. On other transcripts: intron variant (1).
Genome position (GRCh38, 1-based): chr11:47,232,868, C>G. VCF-style: chr11-47232868-C-G. GRCh37 (hg19) VCF-style: chr11-47254419-C-G.
Other names: c.457-4969C>G (NM_001300734.2); short protein forms Q171E.
Identifiers: ClinVar variation 771441 (VCV000771441.7), dbSNP rs201703288, ClinGen allele CA5972543.